The following is an entry in ClinVar:

NM_001999.4(FBN2):c.5037A>C (p.Gln1679His)

Gene: FBN2 (fibrillin 2; minus strand). Cytogenetic location: 5q23.3.
Variant type: single nucleotide variant.
Coding change: c.5037A>C on transcript NM_001999.4 (MANE Select); coding-DNA position 5037, A replaced by C.
Protein change: p.Gln1679His; replaces glutamine 1679 with histidine.
Molecular consequence: missense variant.
Genome position (GRCh38, 1-based): chr5:128,311,337, T>G on the plus strand (A>C on the coding strand, the complement: FBN2 is on the minus strand). VCF-style: chr5-128311337-T-G. GRCh37 (hg19) VCF-style: chr5-127647029-T-G.
Other names: short protein forms Q1679H.
Identifiers: ClinVar variation 519832 (VCV000519832.13), dbSNP rs1554120349, ClinGen allele CA360746006.

ClinVar aggregate classification (germline): Uncertain significance. Review status: criteria provided, multiple submitters, no conflicts (2 of 4 stars). 2 submissions from 2 submitters: Uncertain significance (2). Last evaluated 2022-07-12.

Conditions:
Familial thoracic aortic aneurysm and aortic dissection (TAAD). Also called: Thoracic aortic aneurysms and dissections. Identifiers: Orphanet 91387, MedGen C4707243, MONDO:0019625.
Congenital contractural arachnodactyly (CCA). Also called: BEALS SYNDROME; Beals-Hecht syndrome; Arthrogryposis, distal, type 9. Identifiers: Orphanet 115, MedGen C0220668, MONDO:0007363, OMIM 121050.

Allele frequency attached by ClinVar (database versions not stated): TOPMed below 0.00001.

Submissions (2):

Labcorp Genetics (formerly Invitae), Labcorp
Classification: Uncertain significance for Congenital contractural arachnodactyly. Last evaluated: 2022-07-12. Review status: criteria provided, single submitter. Criteria: Invitae Variant Classification Sherloc (09022015). Collection method: clinical testing. Allele origin: germline.
Comment: In summary, the available evidence is currently insufficient to determine the role of this variant in disease. Therefore, it has been classified as a Variant of Uncertain Significance. Advanced modeling of protein sequence and biophysical properties (such as structural, functional, and spatial information, amino acid conservation, physicochemical variation, residue mobility, and thermodynamic stability) performed at Invitae indicates that this missense variant is not expected to disrupt FBN2 protein function. ClinVar contains an entry for this variant (Variation ID: 519832). This variant has not been reported in the literature in individuals affected with FBN2-related conditions. This variant is not present in population databases (gnomAD no frequency). This sequence change replaces glutamine, which is neutral and polar, with histidine, which is basic and polar, at codon 1679 of the FBN2 protein (p.Gln1679His).

Ambry Genetics
Classification: Uncertain significance for Familial thoracic aortic aneurysm and aortic dissection. Last evaluated: 2016-12-21. Review status: criteria provided, single submitter. Criteria: Ambry Variant Classification Scheme 2023. Collection method: clinical testing. Allele origin: germline.
Comment: The p.Q1679H variant (also known as c.5037A>C), located in coding exon 39 of the FBN2 gene, results from an A to C substitution at nucleotide position 5037. The glutamine at codon 1679 is replaced by histidine, an amino acid with highly similar properties, and is located in the cb EGF-like #24 domain. This amino acid position is not well conserved in available vertebrate species, and histidine is the reference amino acid in other vertebrate species. In addition, this alteration is predicted to be tolerated by in silico analysis. Since supporting evidence is limited at this time, the clinical significance of this alteration remains unclear.